The following is an entry in ClinVar:

NM_000038.6(APC):c.136-4266A>G

Gene: APC (APC regulator of WNT signaling pathway; plus strand). Cytogenetic location: 5q22.2.
Variant type: single nucleotide variant.
Coding change: c.136-4266A>G on transcript NM_000038.6 (MANE Select); 4266 bases into the intron before coding-DNA position 136, A replaced by G.
Molecular consequence: intron variant.
Genome position (GRCh38, 1-based): chr5:112,762,060, A>G. VCF-style: chr5-112762060-A-G. GRCh37 (hg19) VCF-style: chr5-112097757-A-G.
Other names: c.136-4266A>G (NM_001354895.2, NM_001127510.3, NM_001354896.2 and 2 more transcripts); c.166-4266A>G (NM_001354897.2, NM_001354902.2, NM_001127511.3); c.61-4266A>G (NM_001354898.2, NM_001354904.2); c.-900-4266A>G (NM_001354906.2); c.-42-4266A>G (NM_001354900.2, NM_001354901.2, NM_001354905.2).
Identifiers: ClinVar variation 82843 (VCV000082843.2), dbSNP rs11241184, ClinGen allele CA004751.

ClinVar aggregate classification (germline): other (0 of 4 stars; one submission).

Conditions:
Familial colorectal cancer. Identifiers: MedGen CN280943, MONDO:0023113. Disease mechanism: loss of function.

Allele frequency attached by ClinVar (database versions not stated): gnomAD 0.40892 and 0.42115; TOPMed 0.42275; 1000 Genomes Project 30x 0.44941; 1000 Genomes Project 0.45407.
gnomAD v4.1: 64,173 of 152,010 alleles (42%); highest among the groups gnomAD compares: East Asian, 67%; 15,789 homozygotes.

Submission:

Systems Biology Platform Zhejiang California International NanoSystems Institute
Classification: other for Familial colorectal cancer. Review status: no assertion criteria provided. Collection method: not provided. Allele origin: unknown.
ClinVar note: Converted during submission from cancer to other.